The following is an entry in ClinVar:

NM_004608.4(TBX6):c.467G>A (p.Arg156Gln)

Gene: TBX6 (T-box transcription factor 6; minus strand). Cytogenetic location: 16p11.2.
Variant type: single nucleotide variant.
Coding change: c.467G>A on transcript NM_004608.4 (MANE Select); coding-DNA position 467, G replaced by A.
Protein change: p.Arg156Gln; replaces arginine 156 with glutamine.
Molecular consequence: missense variant.
Genome position (GRCh38, 1-based): chr16:30,089,097, C>T on the plus strand (G>A on the coding strand, the complement: TBX6 is on the minus strand). VCF-style: chr16-30089097-C-T. GRCh37 (hg19) VCF-style: chr16-30100418-C-T.
Other names: c.467G>A (NM_004608.3); short protein forms R156Q.
Identifiers: ClinVar variation 1425065 (VCV001425065.7), dbSNP rs116697432, ClinGen allele CA8001915.
Genomic context (GRCh38, chr16:30,089,097, plus strand): 5'-GGGTGAATGTAGACACGGTCAGGCAGGCGGGGCTCTGCCTTGCCGCTGGGCTCCCAGCGC[C>T]GGCCCTGCCAGCGGTAGCGAGCCCCATCCACCGGAATCACATCCAGAAGAAACAAGTAGC-3'
Protein context (NP_004599.2, residues 146-166): VDGARYRWQG[Arg156Gln]RWEPSGKAEP

ClinVar aggregate classification (germline): Uncertain significance. Review status: criteria provided, multiple submitters, no conflicts (2 of 4 stars). 2 submissions from 2 submitters: Uncertain significance (2). Last evaluated 2025-08-15.

Conditions:
Inborn genetic diseases. Identifiers: MedGen C0950123, MeSH D030342.

Allele frequency attached by ClinVar (database versions not stated): 1000 Genomes Project 30x 0.00016.
gnomAD v4.1: 34 of 1,613,874 alleles (0.0021%); highest among the groups gnomAD compares: Admixed American, 0.017%; 1 homozygote.

Submissions (2):

Labcorp Genetics (formerly Invitae), Labcorp
Classification: Uncertain significance. Last evaluated: 2025-08-15. Review status: criteria provided, single submitter. Criteria: Invitae Variant Classification Sherloc (09022015). Collection method: clinical testing. Allele origin: germline.
Comment: This sequence change replaces arginine, which is basic and polar, with glutamine, which is neutral and polar, at codon 156 of the TBX6 protein (p.Arg156Gln). This variant is present in population databases (rs116697432, gnomAD 0.02%). This variant has not been reported in the literature in individuals affected with TBX6-related conditions. ClinVar contains an entry for this variant (Variation ID: 1425065). Invitae Evidence Modeling of protein sequence and biophysical properties (such as structural, functional, and spatial information, amino acid conservation, physicochemical variation, residue mobility, and thermodynamic stability) indicates that this missense variant is not expected to disrupt TBX6 protein function with a negative predictive value of 80%. In summary, the available evidence is currently insufficient to determine the role of this variant in disease. Therefore, it has been classified as a Variant of Uncertain Significance.

Ambry Genetics
Classification: Uncertain significance for Inborn genetic diseases. Last evaluated: 2021-07-21. Review status: criteria provided, single submitter. Criteria: Ambry Variant Classification Scheme 2023. Collection method: clinical testing. Allele origin: germline.